The following is an entry in ClinVar:

ClinVar aggregate classification (germline): Uncertain significance (1 of 4 stars; one submission).

Submission:

GeneDx
Classification: Uncertain significance. Last evaluated: 2022-05-02. Review status: criteria provided, single submitter. Criteria: GeneDx Variant Classification Process June 2021. Collection method: clinical testing. Allele origin: germline. Affected: yes.
Comment: Not observed at significant frequency in large population cohorts (gnomAD); In silico analysis supports that this missense variant does not alter protein structure/function; Has not been previously published as pathogenic or benign to our knowledge

NM_001042681.2(RERE):c.3926T>G (p.Ile1309Ser)

Gene: RERE (arginine-glutamic acid dipeptide repeats; minus strand). Cytogenetic location: 1p36.23.
Variant type: single nucleotide variant.
Coding change: c.3926T>G on transcript NM_001042681.2 (MANE Select); coding-DNA position 3926, T replaced by G.
Protein change: p.Ile1309Ser; replaces isoleucine 1309 with serine.
Molecular consequence: missense variant.
Genome position (GRCh38, 1-based): chr1:8,358,609, A>C on the plus strand (T>G on the coding strand, the complement: RERE is on the minus strand). VCF-style: chr1-8358609-A-C. GRCh37 (hg19) VCF-style: chr1-8418669-A-C.
Other names: c.2264T>G, p.Ile755Ser (NM_001042682.2); c.3926T>G, p.Ile1309Ser (NM_012102.4); short protein forms I1309S, I755S.
Identifiers: ClinVar variation 1722841 (VCV001722841.2), dbSNP rs2522696145, ClinGen allele CA338169561.